The following is an entry in ClinVar:

NR_003051.4(RMRP):n.256_265delCTCAGCGCGG

Gene: RMRP (RNA component of mitochondrial RNA processing endoribonuclease; minus strand). Cytogenetic location: 9p13.3.
Variant type: Deletion.
Genome position: GRCh38 VCF-style: chr9-35657752-CAGCCGCGCTG-C. GRCh37 (hg19) VCF-style: chr9-35657749-CAGCCGCGCTG-C.
Identifiers: ClinVar variation 465208 (VCV000465208.17), dbSNP rs1383432106, ClinGen allele CA587570153.

ClinVar aggregate classification (germline): Likely pathogenic. Review status: reviewed by expert panel (3 of 4 stars). 6 submissions from 6 submitters: Likely pathogenic (1). 5 of the submissions do not count toward it. Last evaluated 2025-06-10.

Conditions:
RMRP-related disorder. Also called: RMRP-related condition.
Anauxetic dysplasia. Identifiers: Orphanet 93347, MedGen C1846796, MONDO:0011773.
Anauxetic dysplasia 1 (ANXD1). Also called: Anauxetic Dysplasia (AD). Identifiers: Orphanet 93347, MedGen C4551965, MONDO:0054560, OMIM 607095.
Metaphyseal dysplasia without hypotrichosis. Also called: CARTILAGE-HAIR HYPOPLASIA VARIANT, SKELETAL MANIFESTATIONS ONLY; CARTILAGE-HAIR HYPOPLASIA-LIKE SKELETAL DYSPLASIA WITHOUT HYPOTRICHOSIS OR IMMUNODEFICIENCY; Metaphyseal Dysplasia without Hypotrichosis (MDWH). Identifiers: MedGen C1834821, MONDO:0009601, OMIM 250460.
Metaphyseal chondrodysplasia, McKusick type (CHH). Also called: Cartilage-hair hypoplasia; Cartilage-Hair Hypoplasia (CHH). Identifiers: Orphanet 175, MedGen C0220748, MONDO:0009595, OMIM 250250.

Submissions (6):

ClinGen Severe Combined Immunodeficiency Variant Curation Expert Panel, ClinGen
Classification: Likely pathogenic for Metaphyseal chondrodysplasia, McKusick type. Last evaluated: 2025-06-10. Review status: reviewed by expert panel. Criteria: ClinGen SCID ACMG Specifications RMRP V1.0.0. Collection method: curation. Allele origin: germline. Inheritance: Autosomal recessive inheritance.
Comment: The NC_000009.12:g.35657755_35657764del variant is a 10 base pair deletion in RMRP (a non-coding gene). On transcript NR_003051.4 this variant is known as n.256_265delCTCAGCGCGG or n.258_267delCAGCGCGGCT (depending on left vs right shuffling). On transcript NR_003051.3 the variant is known as n.255_264delCTCAGCGCGG or n.257_266delCAGCGCGGCT (depending on left vs right shuffling). The variant may also be referred to as g.254_263delCTCAGCGCGG in the literature. The overall minor allele frequency (MAF) of this variant in gnomAD v4.1.0 is 0.00007166 (49/683800 alleles) and the highest subpopulation MAF (in Admixed American subpopulation) is 0.0008724 (43/49292 alleles). This exceeds the SCID VCEP's criteria for PM2 (<0.0000447) but does not exceed the criteria for BS1 (> 0.00089), therefore no population criteria code is met. Of note, although PM2 is not met, the highest population frequency in gnomAD is the Admixed American subpopulation and all affected individuals identified in the literature are likely from this same subpopulation. This variant has been identified in the literature in 3 unrelated female probands, all of Hispanic or Spanish/Mexican descent, affected with cartilage hair hypoplasia or anauxetic dysplasia (PMID: 17701897, 16838329). All 3 probands have metaphyseal dysplasia (1.0 point) meeting PP4 criteria. In addition to metaphyseal dysplasia, proband P9 in PMID: 16838329 also has hypotrichosis (0.5 point) (1.5 points total, meeting PP4 criteria) and proband P20 also has hypotrichosis (0.5 point), Hirschsprung disease (0.25 point), and T cell lymphopenia (0.5 point) (2.25 points total, meeting PP4_Moderate criteria). All 3 probands have a co-occurring second variant in RMRP. For proband P9 (PMID: 16838329), the co-occurring variant is 116A>G (NR_003051.3:n.117A>G) which has not yet been classified by the SCID VCEP and phase is unknown (0 point for PM3). For proband P20 (PMID: 16838329), the co-occurring variant is 195C>T (NR_003051.3:n.196C>T) which is classified as Pathogenic by the SCID VCEP, however, phase is unknown (0.5 point for PM3). For the proband in PMID: 17701897, the co-occurring variant is 195C>T (NR_003051.3:n.196C>T) which is classified as Pathogenic by the SCID VCEP, and the variants were confirmed in trans via parental testing (1 point for PM3). The co-occurring variant is n.196C>T which is classified Pathogenic by the SCID VCEP and the variants are confirmed in trans (1 point for PM3). PMID: 17701897 additionally reports that sequencing of the RMRP RT-PCR product of patient with this variant showed absence of detectable levels of the mutation allele. The authors assert this variant is likely a null allele and therefore did not do further analysis for this variant in functional assays. This data does not qualify for PS3 under the SCID VCEP specifications for RMRP. In summary, this variant is classified as Likely Pathogenic based on the following ACMG codes PP4_Moderate (2.25 points), PM3_strong (2.5 points) (SCID VCEP RMRP specifications pilot v1).

Labcorp Genetics (formerly Invitae), Labcorp
Classification: Pathogenic for Anauxetic dysplasia. Last evaluated: 2026-01-02. Review status: criteria provided, single submitter. Criteria: Invitae Variant Classification Sherloc (09022015). Collection method: clinical testing. Allele origin: germline. Not counted in ClinVar's aggregate classification.
Comment: This variant occurs in the RMRP gene, which encodes an RNA molecule that does not result in a protein product. This variant is present in population databases (no rsID available, gnomAD 0.08%). This variant has been observed in individual(s) with cartilage-hair hypoplasia-anauxetic dysplasia spectrum disorders (PMID: 16838329, 17701897). In at least one individual the data is consistent with being in trans (on the opposite chromosome) from a pathogenic variant. This variant is also known as 256_265delCAGCGCGGCT and g.254_263delCTCAGCGCGG. ClinVar contains an entry for this variant (Variation ID: 465208). Studies have shown that this variant alters RMRP gene expression (PMID: 17701897). For these reasons, this variant has been classified as Pathogenic.

Natera, Inc.
Classification: Likely pathogenic for Cartilage-hair hypoplasia. Last evaluated: 2025-10-29. Review status: criteria provided, single submitter. Criteria: Natera Variant Classification Schema (03/2026). Collection method: clinical testing. Allele origin: germline. Not counted in ClinVar's aggregate classification.
Comment: The n.257_266delCAGCGCGGCT variant in RMRP is a frameshift variant predicted to shift the reading frame and introduce a stop codon. This variant is rare in the general population with a frequency below the threshold expected for the associated phenotype(s). This variant has been observed in one or more individuals affected with the associated recessive disease, as either homozygous or compound heterozygous with a second variant (PMID: 16838329, 17701897). Functional studies show that this variant may disrupt protein function (PMID: 17701897). Given the available evidence, this variant is classified as Likely Pathogenic.

PreventionGenetics, part of Exact Sciences
Classification: Likely pathogenic for RMRP-related condition. Last evaluated: 2024-11-11. Review status: criteria provided, single submitter. Criteria: ACMG Guidelines, 2015. Collection method: clinical testing. Allele origin: germline. Not counted in ClinVar's aggregate classification.
Comment: The RMRP n.257_266del10 variant is predicted to result in an in-frame deletion (Non-Coding). This variant is also referred to as 256_265del and g.254_263del in the literature. It has been reported with a second RMRP variant in individuals with cartilage hair hypoplasia and anauxetic dysplasia (Hermanns et al. 2006. PubMed ID: 16838329; Thiel et al. 2007. PubMed ID: 17701897). RT-PCR studies showed no detectable levels of the RMRP product (Thiel et al. 2007. PubMed ID: 17701897). This variant is reported in 0.13% of alleles in individuals of Latino descent in gnomAD. This variant is interpreted as likely pathogenic.

Fulgent Genetics
Classification: Likely pathogenic for Metaphyseal chondrodysplasia, McKusick type; Metaphyseal dysplasia without hypotrichosis; Anauxetic dysplasia 1. Last evaluated: 2022-04-15. Review status: criteria provided, single submitter. Criteria: ACMG Guidelines, 2015. Collection method: clinical testing. Allele origin: unknown. Not counted in ClinVar's aggregate classification.

OMIM
Classification: Pathogenic for ANAUXETIC DYSPLASIA 1. Last evaluated: 2007-09-01. Review status: no assertion criteria provided. Collection method: literature only. Allele origin: germline. Not counted in ClinVar's aggregate classification.

Literature cited by the submitters: PubMed 16838329 (cited by Labcorp Genetics (formerly Invitae), Labcorp and Natera, Inc.); PubMed 17701897 (cited by 3 submitters).